The following is an entry in ClinVar:

NM_182961.4(SYNE1):c.18213G>A (p.Lys6071=)

Gene: SYNE1 (spectrin repeat containing nuclear envelope protein 1; minus strand). Cytogenetic location: 6q25.2.
Variant type: single nucleotide variant.
Coding change: c.18213G>A on transcript NM_182961.4 (MANE Select); coding-DNA position 18213, G replaced by A.
Protein change: p.Lys6071=; no amino-acid change (lysine 6071 retained).
Molecular consequence: synonymous variant.
Genome position (GRCh38, 1-based): chr6:152,281,975, C>T on the plus strand (G>A on the coding strand, the complement: SYNE1 is on the minus strand). VCF-style: chr6-152281975-C-T. GRCh37 (hg19) VCF-style: chr6-152603110-C-T.
Other names: c.18000G>A, p.Lys6000= (NM_033071.5).
Identifiers: ClinVar variation 512342 (VCV000512342.12), dbSNP rs942245024, ClinGen allele CA150182657.

ClinVar aggregate classification (germline): Conflicting classifications of pathogenicity. Review status: criteria provided, conflicting classifications (1 of 4 stars). 3 submissions from 3 submitters: Uncertain significance (1); Likely benign (2). Last evaluated 2022-08-15.

Conditions:
Emery-Dreifuss muscular dystrophy 4, autosomal dominant (EDMD4). Also called: EMERY-DREIFUSS MUSCULAR DYSTROPHY 4 WITH VARIABLE FEATURES. Identifiers: Orphanet 261, MedGen C2751807, MONDO:0013071, OMIM 612998.
Autosomal recessive ataxia, Beauce type. Also called: SYNE1 Deficiency; Spinocerebellar ataxia, autosomal recessive 8; ATAXIA, RECESSIVE, OF BEAUCE; SYNE1-Related Autosomal Recessive Cerebellar Ataxia. Identifiers: Orphanet 88644, MedGen C1853116, MONDO:0012549, OMIM 610743.

Allele frequency attached by ClinVar (database versions not stated): TOPMed 0.00004; gnomAD 0.00006 and 0.00007.
gnomAD v4.1: 10 of 1,613,768 alleles (0.00062%); highest among the groups gnomAD compares: African/African-American, 0.011%; no homozygotes.

Submissions (3):

Labcorp Genetics (formerly Invitae), Labcorp
Classification: Likely benign for Emery-Dreifuss muscular dystrophy 4, autosomal dominant; Autosomal recessive ataxia, Beauce type. Last evaluated: 2022-08-15. Review status: criteria provided, single submitter. Criteria: Invitae Variant Classification Sherloc (09022015). Collection method: clinical testing. Allele origin: germline.

Eurofins Ntd Llc (ga)
Classification: Uncertain significance. Last evaluated: 2018-02-09. Review status: criteria provided, single submitter. Criteria: EGL ClinVar v180209 classification definitions. Collection method: clinical testing. Allele origin: germline. Observed: 1 variant allele, 1 heterozygote.

GeneDx
Classification: Likely benign. Last evaluated: 2017-09-26. Review status: criteria provided, single submitter. Criteria: GeneDx Variant Classification (06012015). Collection method: clinical testing. Allele origin: germline. Affected: yes.
Comment: This variant is considered likely benign or benign based on one or more of the following criteria: it is a conservative change, it occurs at a poorly conserved position in the protein, it is predicted to be benign by multiple in silico algorithms, and/or has population frequency not consistent with disease.